The following is an entry in ClinVar:

ClinVar aggregate classification (germline): Conflicting classifications of pathogenicity. Review status: criteria provided, conflicting classifications (1 of 4 stars). 6 submissions from 6 submitters: Uncertain significance (2); Benign (1); Likely benign (2). 1 of the submissions does not count toward it. Last evaluated 2026-01-26.

Conditions:
ORC4-related disorder. Also called: ORC4-related condition.

Allele frequency attached by ClinVar (database versions not stated): 1000 Genomes Project 30x 0.00047; 1000 Genomes Project 0.00060; gnomAD 0.00143 and 0.00144; gnomAD exomes 0.00161 and 0.00255; ExAC 0.00166; TOPMed 0.00166; ESP Exome Variant Server 0.00223.
gnomAD v4.1: 3,945 of 1,612,158 alleles (0.24%); highest among the groups gnomAD compares: Non-Finnish European, 0.3%; 9 homozygotes.

Submissions (6):

Labcorp Genetics (formerly Invitae), Labcorp
Classification: Benign. Last evaluated: 2026-01-26. Review status: criteria provided, single submitter. Criteria: Invitae Variant Classification Sherloc (09022015). Collection method: clinical testing. Allele origin: germline.

CeGaT Center for Human Genetics Tuebingen
Classification: Likely benign. Last evaluated: 2026-01-01. Review status: criteria provided, single submitter. Criteria: CeGaT Center For Human Genetics Tuebingen Variant Classification Criteria Version 2. Collection method: clinical testing. Allele origin: germline. Affected: yes. Observed: 2 variant alleles.
Comment: ORC4: BS2

Blueprint Genetics
Classification: Likely benign. Last evaluated: 2024-11-19. Review status: criteria provided, single submitter. Criteria: ACMG Guidelines, 2015. Collection method: clinical testing. Allele origin: germline.

Eurofins Ntd Llc (ga)
Classification: Uncertain significance. Last evaluated: 2015-09-17. Review status: criteria provided, single submitter. Criteria: EGL Classification Definitions 2015. Collection method: clinical testing. Allele origin: germline. Observed: 1 variant allele, 1 heterozygote.

Genetic Services Laboratory, University of Chicago
Classification: Uncertain significance. Last evaluated: 2014-12-05. Review status: criteria provided, single submitter. Criteria: ACMG Guidelines, 2015. Collection method: clinical testing. Allele origin: germline.

PreventionGenetics, part of Exact Sciences
Classification: Likely benign for ORC4-related condition. Last evaluated: 2023-07-29. Review status: no assertion criteria provided. Collection method: clinical testing. Allele origin: germline. Not counted in ClinVar's aggregate classification.
Comment: This variant is classified as likely benign based on ACMG/AMP sequence variant interpretation guidelines (Richards et al. 2015 PMID: 25741868, with internal and published modifications).

NM_181741.4(ORC4):c.353T>C (p.Leu118Ser)

Gene: ORC4 (origin recognition complex subunit 4; minus strand). Cytogenetic location: 2q23.1.
Variant type: single nucleotide variant.
Coding change: c.353T>C on transcript NM_181741.4 (MANE Select); coding-DNA position 353, T replaced by C.
Protein change: p.Leu118Ser; replaces leucine 118 with serine.
Molecular consequence: missense variant.
Genome position (GRCh38, 1-based): chr2:147,958,332, A>G on the plus strand (T>C on the coding strand, the complement: ORC4 is on the minus strand). VCF-style: chr2-147958332-A-G. GRCh37 (hg19) VCF-style: chr2-148715901-A-G.
Other names: c.353T>C, p.Leu118Ser (NM_001190879.3, NM_001374270.1, NM_002552.5 and 1 more transcripts); c.101T>C, p.Leu34Ser (NM_001190881.3, NM_001374272.1); c.131T>C, p.Leu44Ser (NM_001190882.3); short protein forms L118S, L34S, L44S.
Identifiers: ClinVar variation 211806 (VCV000211806.26), dbSNP rs61750441, ClinGen allele CA205373.